The following is an entry in ClinVar:

ClinVar aggregate classification (germline): Uncertain significance. Review status: criteria provided, multiple submitters, no conflicts (2 of 4 stars). 2 submissions from 2 submitters: Uncertain significance (2). Last evaluated 2022-07-11.

Conditions:
ALG12-congenital disorder of glycosylation (CDG1G). Also called: CDG Ig; Congenital disorder of glycosylation, type Ig; ALG12-CDG. Identifiers: Orphanet 79324, MedGen C2931001, MONDO:0011783, OMIM 607143.

Allele frequency attached by ClinVar (database versions not stated): gnomAD exomes 0.00002 and 0.00004; ExAC 0.00003; gnomAD 0.00003 and 0.00004; TOPMed 0.00003; ESP Exome Variant Server 0.00008.
gnomAD v4.1: 57 of 1,614,012 alleles (0.0035%); highest among the groups gnomAD compares: South Asian, 0.0066%; no homozygotes.

Submissions (2):

Labcorp Genetics (formerly Invitae), Labcorp
Classification: Uncertain significance for ALG12-congenital disorder of glycosylation. Last evaluated: 2022-07-11. Review status: criteria provided, single submitter. Criteria: Invitae Variant Classification Sherloc (09022015). Collection method: clinical testing. Allele origin: germline.
Comment: This sequence change replaces alanine, which is neutral and non-polar, with valine, which is neutral and non-polar, at codon 343 of the ALG12 protein (p.Ala343Val). This variant is present in population databases (rs374812633, gnomAD 0.006%). This variant has not been reported in the literature in individuals affected with ALG12-related conditions. ClinVar contains an entry for this variant (Variation ID: 1364527). Algorithms developed to predict the effect of missense changes on protein structure and function output the following: SIFT: "Tolerated"; PolyPhen-2: "Benign"; Align-GVGD: "Class C0". The valine amino acid residue is found in multiple mammalian species, which suggests that this missense change does not adversely affect protein function. In summary, the available evidence is currently insufficient to determine the role of this variant in disease. Therefore, it has been classified as a Variant of Uncertain Significance.

Breakthrough Genomics
Classification: Uncertain significance. Review status: criteria provided, single submitter. Criteria: ACMG Guidelines, 2015. Collection method: not provided. Allele origin: germline. Inheritance: Autosomal dominant inheritance. Affected: yes.

NM_024105.4(ALG12):c.1028C>T (p.Ala343Val)

Gene: ALG12 (ALG12 alpha-1,6-mannosyltransferase; minus strand). Cytogenetic location: 22q13.33.
Variant type: single nucleotide variant.
Coding change: c.1028C>T on transcript NM_024105.4 (MANE Select); coding-DNA position 1028, C replaced by T.
Protein change: p.Ala343Val; replaces alanine 343 with valine.
Molecular consequence: missense variant.
Genome position (GRCh38, 1-based): chr22:49,904,471, G>A on the plus strand (C>T on the coding strand, the complement: ALG12 is on the minus strand). VCF-style: chr22-49904471-G-A. GRCh37 (hg19) VCF-style: chr22-50298119-G-A.
Other names: short protein forms A343V.
Identifiers: ClinVar variation 1364527 (VCV001364527.6), dbSNP rs374812633, ClinGen allele CA10300362.